The following is an entry in ClinVar:

NM_017514.5(PLXNA3):c.932C>T (p.Pro311Leu)

Gene: PLXNA3 (plexin A3; plus strand). Cytogenetic location: Xq28.
Variant type: single nucleotide variant.
Coding change: c.932C>T on transcript NM_017514.5 (MANE Select); coding-DNA position 932, C replaced by T.
Protein change: p.Pro311Leu; replaces proline 311 with leucine.
Molecular consequence: missense variant.
Genome position (GRCh38, 1-based): chrX:154,461,436, C>T. VCF-style: chrX-154461436-C-T. GRCh37 (hg19) VCF-style: chrX-153689776-C-T.
Other names: short protein forms P311L.
Identifiers: ClinVar variation 4980636 (VCV004980636.1).

ClinVar aggregate classification (germline): Uncertain significance (1 of 4 stars; one submission).

Conditions:
PLXNA3-related disorder. Also called: PLXNA3-related condition.

gnomAD v4.1: 31 of 1,210,461 alleles (0.0026%); highest among the groups gnomAD compares: Middle Eastern, 0.023%; no homozygotes.

Submission:

PreventionGenetics, part of Exact Sciences
Classification: Uncertain significance for PLXNA3-related condition. Last evaluated: 2026-06-01. Review status: criteria provided, single submitter. Criteria: ACMG Guidelines, 2015. Collection method: clinical testing. Allele origin: germline.
Comment: The PLXNA3 c.932C>T variant is predicted to result in the amino acid substitution p.Pro311Leu. To our knowledge, this variant has not been reported in the literature. This variant is reported in 0.011% of alleles in individuals of Latino descent in gnomAD, including a hemizygous individual. At this time, the clinical significance of this variant is uncertain due to the absence of conclusive functional and genetic evidence.